The following is an entry in ClinVar:

ClinVar aggregate classification (germline): Likely benign (0 of 4 stars; one submission).

Conditions:
PCSK1-related disorder. Also called: PCSK1-related condition.

gnomAD v4.1: 22 of 1,602,256 alleles (0.0014%); highest among the groups gnomAD compares: African/African-American, 0.028%; no homozygotes.

Submission:

PreventionGenetics, part of Exact Sciences
Classification: Likely benign for PCSK1-related condition. Last evaluated: 2022-08-18. Review status: no assertion criteria provided. Collection method: clinical testing. Allele origin: germline.
Comment: This variant is classified as likely benign based on ACMG/AMP sequence variant interpretation guidelines (Richards et al. 2015 PMID: 25741868, with internal and published modifications).

NM_000439.5(PCSK1):c.1430+5G>C

Genes: CAST (calpastatin; plus strand), PCSK1 (proprotein convertase subtilisin/kexin type 1; minus strand), LOC101929710 (uncharacterized LOC101929710; plus strand). Cytogenetic location: 5q15.
Variant type: single nucleotide variant.
Coding change: c.1430+5G>C on transcript NM_000439.5 (MANE Select); 5 bases into the intron after coding-DNA position 1430, G replaced by C.
Molecular consequence: intron variant.
Genome position (GRCh38, 1-based): chr5:96,399,948, C>G on the plus strand (G>C on the coding strand, the complement: PCSK1 is on the minus strand). VCF-style: chr5-96399948-C-G. GRCh37 (hg19) VCF-style: chr5-95735652-C-G.
Other names: c.-175+20296C>G (NM_001423254.1, NM_001423259.1, NM_001423255.1 and 6 more transcripts); c.-103+20296C>G (NM_001423253.1); c.-40+20296C>G (NM_001423258.1); c.1289+5G>C (NM_001177875.2).
Identifiers: ClinVar variation 3353169 (VCV003353169.1).